The following is an entry in ClinVar:

NM_032520.5(GNPTG):c.874C>T (p.Pro292Ser)

Gene: GNPTG (N-acetylglucosamine-1-phosphate transferase subunit gamma; plus strand). Cytogenetic location: 16p13.3.
Variant type: single nucleotide variant.
Coding change: c.874C>T on transcript NM_032520.5 (MANE Select); coding-DNA position 874, C replaced by T.
Protein change: p.Pro292Ser; replaces proline 292 with serine.
Molecular consequence: missense variant.
Genome position (GRCh38, 1-based): chr16:1,363,047, C>T. VCF-style: chr16-1363047-C-T. GRCh37 (hg19) VCF-style: chr16-1413048-C-T.
Other names: short protein forms P292S.
Identifiers: ClinVar variation 1491528 (VCV001491528.5), dbSNP rs768090398, ClinGen allele CA394188943.

ClinVar aggregate classification (germline): Uncertain significance (1 of 4 stars; one submission).

gnomAD v4.1: 2 of 1,614,036 alleles (0.00012%); highest among the groups gnomAD compares: South Asian, 0.0022%; no homozygotes.

Submission:

Labcorp Genetics (formerly Invitae), Labcorp
Classification: Uncertain significance. Last evaluated: 2022-07-26. Review status: criteria provided, single submitter. Criteria: Invitae Variant Classification Sherloc (09022015). Collection method: clinical testing. Allele origin: germline.
Comment: This sequence change replaces proline, which is neutral and non-polar, with serine, which is neutral and polar, at codon 292 of the GNPTG protein (p.Pro292Ser). This variant is not present in population databases (gnomAD no frequency). This variant has not been reported in the literature in individuals affected with GNPTG-related conditions. ClinVar contains an entry for this variant (Variation ID: 1491528). Algorithms developed to predict the effect of missense changes on protein structure and function output the following: SIFT: "Tolerated"; PolyPhen-2: "Benign"; Align-GVGD: "Class C0". The serine amino acid residue is found in multiple mammalian species, which suggests that this missense change does not adversely affect protein function. In summary, the available evidence is currently insufficient to determine the role of this variant in disease. Therefore, it has been classified as a Variant of Uncertain Significance.